The following is an entry in ClinVar:

ClinVar aggregate classification (germline): Uncertain significance (1 of 4 stars; one submission).

Conditions:
Long QT syndrome (LQTS). Identifiers: MedGen C0023976, MeSH D008133, MONDO:0002442. Disease mechanism: loss of function. Inheritance: Various modes of inheritance.

Allele frequency attached by ClinVar (database versions not stated): TOPMed below 0.00001.

Submission:

Labcorp Genetics (formerly Invitae), Labcorp
Classification: Uncertain significance for Long QT syndrome. Last evaluated: 2023-08-19. Review status: criteria provided, single submitter. Criteria: Invitae Variant Classification Sherloc (09022015). Collection method: clinical testing. Allele origin: germline.
Comment: In summary, the available evidence is currently insufficient to determine the role of this variant in disease. Therefore, it has been classified as a Variant of Uncertain Significance. Advanced modeling of protein sequence and biophysical properties (such as structural, functional, and spatial information, amino acid conservation, physicochemical variation, residue mobility, and thermodynamic stability) performed at Invitae indicates that this missense variant is not expected to disrupt ANK2 protein function. This variant has not been reported in the literature in individuals affected with ANK2-related conditions. This variant is not present in population databases (gnomAD no frequency). This sequence change replaces methionine, which is neutral and non-polar, with leucine, which is neutral and non-polar, at codon 1988 of the ANK2 protein (p.Met1988Leu).

NM_001148.6(ANK2):c.5962A>C (p.Met1988Leu)

Genes: ANK2 (ankyrin 2; plus strand), LOC126807136 (MED14-independent group 3 enhancer GRCh37_chr4:114274931-114276130; plus strand). Cytogenetic location: 4q26.
Variant type: single nucleotide variant.
Coding change: c.5962A>C on transcript NM_001148.6 (MANE Select); coding-DNA position 5962, A replaced by C.
Protein change: p.Met1988Leu; replaces methionine 1988 with leucine.
Molecular consequence: missense variant. On other transcripts: intron variant (68).
Genome position (GRCh38, 1-based): chr4:113,354,580, A>C. VCF-style: chr4-113354580-A-C. GRCh37 (hg19) VCF-style: chr4-114275736-A-C.
Other names: c.5728A>C, p.Met1910Leu (NM_001386142.1); c.2362A>C, p.Met788Leu (NM_001386166.1); c.6103A>C, p.Met2035Leu (NM_001386174.1); c.6079A>C, p.Met2027Leu (NM_001386175.1); c.4411+4331A>C (NM_001386186.2, NM_001386148.2); c.4213+4331A>C (NM_001354269.3); c.4291+4331A>C (NM_001386187.2); c.4252+4331A>C (NM_001386147.1); and 35 more; short protein forms M2027L, M1910L, M2035L, M1988L, M788L.
Identifiers: ClinVar variation 2748933 (VCV002748933.3), dbSNP rs2095625982, ClinGen allele CA357921919.
Genomic context (GRCh38, chr4:113,354,580, plus strand): 5'-AAAACAGAAAAGCAACCACCTGTATCCCCCACTTCAAAAACAGAGAGGATTGAGGAAACC[A>C]TGTCTGTTCGGGAGCTGATGAAGGCTTTCCAGTCAGGTCAGGACCCTTCTAAACATAAAA-3'
Protein context (NP_001139.3, residues 1978-1998): TSKTERIEET[Met1988Leu]SVRELMKAFQ